The following is an entry in ClinVar:

ClinVar aggregate classification (germline): Uncertain significance (1 of 4 stars; one submission).

Submission:

Labcorp Genetics (formerly Invitae), Labcorp
Classification: Uncertain significance. Last evaluated: 2022-10-17. Review status: criteria provided, single submitter. Criteria: Invitae Variant Classification Sherloc (09022015). Collection method: clinical testing. Allele origin: germline.
Comment: In summary, the available evidence is currently insufficient to determine the role of this variant in disease. Therefore, it has been classified as a Variant of Uncertain Significance. Algorithms developed to predict the effect of missense changes on protein structure and function (SIFT, PolyPhen-2, Align-GVGD) all suggest that this variant is likely to be disruptive. This variant has not been reported in the literature in individuals affected with CDK5RAP2-related conditions. This variant is not present in population databases (gnomAD no frequency). This sequence change replaces tyrosine, which is neutral and polar, with cysteine, which is neutral and slightly polar, at codon 632 of the CDK5RAP2 protein (p.Tyr632Cys).

NM_018249.6(CDK5RAP2):c.1895A>G (p.Tyr632Cys)

Gene: CDK5RAP2 (CDK5 regulatory subunit associated protein 2; minus strand). Cytogenetic location: 9q33.2.
Variant type: single nucleotide variant.
Coding change: c.1895A>G on transcript NM_018249.6 (MANE Select); coding-DNA position 1895, A replaced by G.
Protein change: p.Tyr632Cys; replaces tyrosine 632 with cysteine.
Molecular consequence: missense variant. On other transcripts: non-coding transcript variant (5).
Genome position (GRCh38, 1-based): chr9:120,470,184, T>C on the plus strand (A>G on the coding strand, the complement: CDK5RAP2 is on the minus strand). VCF-style: chr9-120470184-T-C. GRCh37 (hg19) VCF-style: chr9-123232462-T-C.
Other names: c.1895A>G, p.Tyr632Cys (NM_001011649.3, NM_001410993.1); c.1892A>G, p.Tyr631Cys (NM_001272039.2, NM_001410992.1, NM_001410994.1); short protein forms Y631C, Y632C.
Identifiers: ClinVar variation 1714408 (VCV001714408.5), dbSNP rs2037613235, ClinGen allele CA374706941.